The following is an entry in ClinVar:

ClinVar aggregate classification (germline): Likely pathogenic (1 of 4 stars; one submission).

Submission:

Dasa
Classification: Likely pathogenic. Last evaluated: 2024-10-04. Review status: criteria provided, single submitter. Criteria: DASA Assertion Criteria. Collection method: clinical testing. Allele origin: germline.
Comment: NM_003622.4(PPFIBP1):c.1817del (p.Pro606Leufs*16) is a frameshift variant in PPFIBP1 predicted to alter the reading frame and introduce a premature termination codon and is predicted to result in an absent or altered protein product. Loss of function is an established disease mechanism for PPFIBP1-associated disorders. Also, this variant is absent from population databases. Based on the currently available evidence, this variant is classified as likely pathogenic.

NM_003622.4(PPFIBP1):c.1817del (p.Pro606fs)

Gene: PPFIBP1 (PPFIB scaffold protein 1; plus strand). Cytogenetic location: 12p11.22.
Variant type: Deletion.
Coding change: c.1817del on transcript NM_003622.4 (MANE Select); coding-DNA position 1817, one base deleted (C; older notation c.1817delC).
Protein change: p.Pro606fs; shifts the reading frame from proline 606.
Molecular consequence: frameshift variant.
Genome position (GRCh38, 1-based): chr12:27,679,983, C deleted; the last of 2 consecutive C bases (chr12:27,679,982-27,679,983); deleting either gives the same sequence. VCF-style (leftmost placement, unchanged base first): chr12-27679981-GC-G. GRCh37 (hg19) VCF-style: chr12-27832914-GC-G.
Other names: c.1376del, p.Pro459fs (NM_001198915.2); c.1742del, p.Pro581fs (NM_001198916.2); c.1835del, p.Pro612fs (NM_177444.3); short protein forms P459fs, P581fs, P606fs, P612fs.
Identifiers: ClinVar variation 4880593 (VCV004880593.2).